The following is an entry in ClinVar:

ClinVar aggregate classification (germline): Uncertain significance (1 of 4 stars; one submission).

Allele frequency attached by ClinVar (database versions not stated): gnomAD exomes below 0.00001.

Submission:

Labcorp Genetics (formerly Invitae), Labcorp
Classification: Uncertain significance. Last evaluated: 2024-04-19. Review status: criteria provided, single submitter. Criteria: Invitae Variant Classification Sherloc (09022015). Collection method: clinical testing. Allele origin: germline.
Comment: This sequence change replaces proline, which is neutral and non-polar, with leucine, which is neutral and non-polar, at codon 143 of the MAGEL2 protein (p.Pro143Leu). This variant is not present in population databases (gnomAD no frequency). This variant has not been reported in the literature in individuals affected with MAGEL2-related conditions. Experimental studies and prediction algorithms are not available or were not evaluated, and the functional significance of this variant is currently unknown. In summary, the available evidence is currently insufficient to determine the role of this variant in disease. Therefore, it has been classified as a Variant of Uncertain Significance.

NM_019066.5(MAGEL2):c.428C>T (p.Pro143Leu)

Gene: MAGEL2 (MAGE family member L2; minus strand). Cytogenetic location: 15q11.2.
Variant type: single nucleotide variant.
Coding change: c.428C>T on transcript NM_019066.5 (MANE Select); coding-DNA position 428, C replaced by T.
Protein change: p.Pro143Leu; replaces proline 143 with leucine.
Molecular consequence: missense variant.
Genome position (GRCh38, 1-based): chr15:23,647,315, G>A on the plus strand (C>T on the coding strand, the complement: MAGEL2 is on the minus strand). VCF-style: chr15-23647315-G-A. GRCh37 (hg19) VCF-style: chr15-23892462-G-A.
Other names: short protein forms P143L.
Identifiers: ClinVar variation 2899664 (VCV002899664.3), dbSNP rs992939419, ClinGen allele CA267661597.